The following is an entry in ClinVar:

ClinVar aggregate classification (germline): Benign. Review status: criteria provided, multiple submitters, no conflicts (2 of 4 stars). 3 submissions from 3 submitters: Benign (3). Last evaluated 2023-01-01.

Allele frequency attached by ClinVar (database versions not stated): gnomAD exomes 0.00485 and 0.00707; ExAC 0.00723; gnomAD 0.00844 and 0.00847; ESP Exome Variant Server 0.00938; TOPMed 0.00938; 1000 Genomes Project 30x 0.00953; 1000 Genomes Project 0.00978.
gnomAD v4.1: 8,626 of 1,614,102 alleles (0.53%); highest among the groups gnomAD compares: Middle Eastern, 4.3%; 84 homozygotes.

Submissions (3):

CeGaT Center for Human Genetics Tuebingen
Classification: Benign. Last evaluated: 2023-01-01. Review status: criteria provided, single submitter. Criteria: CeGaT Center For Human Genetics Tuebingen Variant Classification Criteria Version 2. Collection method: clinical testing. Allele origin: germline. Affected: yes. Observed: 1 variant allele.
Comment: CPXM1: BP4, BS1, BS2

Labcorp Genetics (formerly Invitae), Labcorp
Classification: Benign. Last evaluated: 2018-01-30. Review status: criteria provided, single submitter. Criteria: Invitae Variant Classification Sherloc (09022015). Collection method: clinical testing. Allele origin: germline.

Breakthrough Genomics
Classification: Benign. Review status: criteria provided, single submitter. Criteria: ACMG Guidelines, 2015. Collection method: not provided. Allele origin: germline. Inheritance: Unknown mechanism. Affected: yes.

NM_019609.5(CPXM1):c.2131C>T (p.Leu711=)

Gene: CPXM1 (carboxypeptidase X, M14 family member 1; minus strand). Cytogenetic location: 20p13.
Variant type: single nucleotide variant.
Coding change: c.2131C>T on transcript NM_019609.5 (MANE Select); coding-DNA position 2131, C replaced by T.
Protein change: p.Leu711=; no amino-acid change (leucine 711 retained).
Molecular consequence: synonymous variant.
Genome position (GRCh38, 1-based): chr20:2,794,264, G>A on the plus strand (C>T on the coding strand, the complement: CPXM1 is on the minus strand). VCF-style: chr20-2794264-G-A. GRCh37 (hg19) VCF-style: chr20-2774910-G-A.
Other names: c.1909C>T, p.Leu637= (NM_001184699.2).
Identifiers: ClinVar variation 770813 (VCV000770813.28), dbSNP rs41297632, ClinGen allele CA9735799.
Genomic context (GRCh38, chr20:2,794,264, plus strand): 5'-CCCTTAGCCGCTCCAGGCGCCTGCGAAGGTCCGGGGGCACCTTGGCCCCAGCTGCCAGCA[G>A]CTCGCGCAGCCTCTGTTTGGGAGTCTTGGTGAGCACGAAATTGCAGGGGAAGGGGCCCTC-3'
Protein context (NP_062555.1, residues 701-721): TKTPKQRLRE[Leu711=]LAAGAKVPPD